The following is an entry in ClinVar:

NM_004771.4(MMP20):c.103A>C (p.Arg35=)

Gene: MMP20 (matrix metallopeptidase 20; minus strand). Cytogenetic location: 11q22.2.
Variant type: single nucleotide variant.
Coding change: c.103A>C on transcript NM_004771.4 (MANE Select); coding-DNA position 103, A replaced by C.
Protein change: p.Arg35=; no amino-acid change (arginine 35 retained).
Molecular consequence: synonymous variant.
Genome position (GRCh38, 1-based): chr11:102,625,217, T>G on the plus strand (A>C on the coding strand, the complement: MMP20 is on the minus strand). VCF-style: chr11-102625217-T-G. GRCh37 (hg19) VCF-style: chr11-102495948-T-G.
Identifiers: ClinVar variation 878617 (VCV000878617.8), dbSNP rs61751462, ClinGen allele CA6248581.

ClinVar aggregate classification (germline): Conflicting classifications of pathogenicity. Review status: criteria provided, conflicting classifications (1 of 4 stars). 3 submissions from 3 submitters: Pathogenic (1); Uncertain significance (1); Likely benign (1). Last evaluated 2024-09-20.

Conditions:
Amelogenesis imperfecta hypomaturation type 2A2. Also called: AMELOGENESIS IMPERFECTA, PIGMENTED HYPOMATURATION TYPE, 2; Amelogenesis imperfecta, type IIA2; Amelogenesis imperfecta, hypomaturation type, IIA2. Identifiers: Orphanet 88661, MedGen C2675858, MONDO:0012926, OMIM 612529. Disease mechanism: loss of function.
Inborn genetic diseases. Identifiers: MedGen C0950123, MeSH D030342.

Allele frequency attached by ClinVar (database versions not stated): gnomAD 0.00009; TOPMed 0.00009; gnomAD exomes 0.00013 and 0.00016; ExAC 0.00017.
gnomAD v4.1: 200 of 1,613,854 alleles (0.012%); highest among the groups gnomAD compares: Middle Eastern, 0.05%; no homozygotes.

Submissions (3):

Victorian Clinical Genetics Services, Murdoch Childrens Research Institute
Classification: Pathogenic for Amelogenesis imperfecta hypomaturation type 2A2. Last evaluated: 2024-09-20. Review status: criteria provided, single submitter. Criteria: ACMG Guidelines, 2015. Collection method: clinical testing. Allele origin: germline. Inheritance: Autosomal recessive inheritance. Affected: yes.
Comment: Based on the classification scheme VCGS_Germline_v1.3.4, this variant is classified as Pathogenic. Following criteria are met: 0102 - Loss of function is a known mechanism of disease in this gene and is associated with amelogenesis imperfecta, type IIA2 (MIM#612529). (I) 0106 - This gene is associated with autosomal recessive disease. (I) 0209 - Splice site variant that may affect splicing of the transcript with an uncertain effect on protein sequence. One publication demonstrated that in a mini-gene assay of exon 1 this synonymous variant resulted in altered splicing when compared to the wild-type, however the biological relevance of this outcome was not further assessed (PMID: 31999931). (SP) 0251 - This variant is heterozygous. (I) 0304 - Variant is present in gnomAD (v2) <0.01 for a recessive condition (41 heterozygotes, 0 homozygotes). (SP) 0801 - This variant has strong previous evidence of pathogenicity in unrelated individuals. ClinVar contains an older VUS entry. This variant has also been observed in homozygous and compound heterozygous individuals with amelogenesis imperfecta, including individuals compound heterozygous with NM_004771.3(MMP20):c.954-2A>T (PMID: 37228816, 31999931, 26502894). (SP) 0905 - No published segregation evidence has been identified for this variant. (I) 1201 - Heterozygous variant detected in trans with a second pathogenic heterozygous variant (NM_004771.3(MMP20):c.954-2A>T) in a recessive disease. (I) Legend: (SP) - Supporting pathogenic, (I) - Information, (SB) - Supporting benign

Ambry Genetics
Classification: Likely benign for Inborn genetic diseases. Last evaluated: 2023-07-26. Review status: criteria provided, single submitter. Criteria: Ambry Variant Classification Scheme 2023. Collection method: clinical testing. Allele origin: germline.

Illumina Laboratory Services, Illumina
Classification: Uncertain significance for Amelogenesis imperfecta hypomaturation type 2A2. Last evaluated: 2018-01-13. Review status: criteria provided, single submitter. Criteria: ICSL Variant Classification Criteria 13 December 2019. Collection method: clinical testing. Allele origin: germline.

Literature cited by the submitters: PubMed 26502894 (cited by Victorian Clinical Genetics Services, Murdoch Childrens Research Institute); PubMed 31999931 (cited by Victorian Clinical Genetics Services, Murdoch Childrens Research Institute); PubMed 37228816 (cited by Victorian Clinical Genetics Services, Murdoch Childrens Research Institute).